The following is an entry in ClinVar:

NM_001267550.2(TTN):c.45937del (p.Thr15313fs)

Gene: TTN (titin; minus strand). Cytogenetic location: 2q31.2.
Variant type: Deletion.
Coding change: c.45937del on transcript NM_001267550.2 (MANE Select); coding-DNA position 45937, one base deleted (A; older notation c.45937delA).
Protein change: p.Thr15313fs; shifts the reading frame from threonine 15313.
Molecular consequence: frameshift variant.
Genome position (GRCh38, 1-based): chr2:178,620,584, T deleted on the plus strand (A on the coding strand, the reverse complement: TTN is on the minus strand); the first of 3 consecutive T bases (chr2:178,620,584-178,620,586); deleting any one gives the same sequence. VCF-style (leftmost placement, unchanged base first): chr2-178620583-GT-G. GRCh37 (hg19) VCF-style: chr2-179485310-GT-G.
Other names: c.41014del, p.Thr13672fs (NM_001256850.1); c.18742del, p.Thr6248fs (NM_003319.4); c.38233del, p.Thr12745fs (NM_133378.4); c.19117del, p.Thr6373fs (NM_133432.3); c.19318del, p.Thr6440fs (NM_133437.4); short protein forms T12745fs, T13672fs, T15313fs, T6248fs, T6373fs, T6440fs.
Identifiers: ClinVar variation 3760285 (VCV003760285.2).
Genomic context (GRCh38, chr2:178,620,583, plus strand): 5'-TTCAGTGTTACATTGAGACGATTCACCTTGCACCAGAATGTGACAGATTTCTTCTCCATT[GT>G]TTCAATATCTTTAAGAGGCTCAACAATCCTAAGGTCTTCCTCTGTTGTAAAGGAGAAAAA-3'

ClinVar aggregate classification (germline): Likely pathogenic (1 of 4 stars; one submission).

Conditions:
Dilated cardiomyopathy 1G (CMD1G). Identifiers: Orphanet 154, MedGen C1858763, MONDO:0011400, OMIM 604145.
Autosomal recessive limb-girdle muscular dystrophy type 2J (LGMDR10). Also called: Limb-girdle muscular dystrophy, type 2J; MUSCULAR DYSTROPHY, LIMB-GIRDLE, AUTOSOMAL RECESSIVE 10. Identifiers: Orphanet 140922, MedGen C1837342, MONDO:0012127, OMIM 608807.

Submission:

Labcorp Genetics (formerly Invitae), Labcorp
Classification: Likely pathogenic for Dilated cardiomyopathy 1G; Autosomal recessive limb-girdle muscular dystrophy type 2J. Last evaluated: 2025-01-11. Review status: criteria provided, single submitter. Criteria: Invitae Variant Classification Sherloc (09022015). Collection method: clinical testing. Allele origin: germline.
Comment: This sequence change creates a premature translational stop signal (p.Thr15313Glnfs*13) in the TTN gene. While this is not anticipated to result in nonsense mediated decay, it is expected to create a truncated TTN protein. This variant is not present in population databases (gnomAD no frequency). This variant has not been reported in the literature in individuals affected with TTN-related conditions. This variant is located in the I band of TTN (PMID: 25589632). Truncating variants in this region have been reported in individuals affected with autosomal recessive centronuclear myopathy (PMID: 23975875, internal data). Truncating variants in this region have also been identified in individuals affected with autosomal dominant dilated cardiomyopathy and/or cardio-related conditions (PMID: 27869827, 32964742, internal data). In summary, the currently available evidence indicates that the variant is pathogenic, but additional data are needed to prove that conclusively. Therefore, this variant has been classified as Likely Pathogenic.

Literature cited by the submitters: PubMed 25589632; PubMed 23975875; PubMed 27869827; PubMed 32964742.